The following is an entry in ClinVar:

ClinVar aggregate classification (germline): Uncertain significance (1 of 4 stars; one submission).

Conditions:
Early-onset Lafora body disease. Also called: Epilepsy, progressive myoclonic, 10. Identifiers: Orphanet 324290, MedGen C4225258, MONDO:0014717, OMIM 616640.

Submission:

Labcorp Genetics (formerly Invitae), Labcorp
Classification: Uncertain significance for Early-onset Lafora body disease. Last evaluated: 2024-10-14. Review status: criteria provided, single submitter. Criteria: Invitae Variant Classification Sherloc (09022015). Collection method: clinical testing. Allele origin: germline.
Comment: This variant, c.850_861del, results in the deletion of 4 amino acid(s) of the PRDM8 protein (p.Ser284_Ser287del), but otherwise preserves the integrity of the reading frame. This variant is present in population databases (no rsID available, gnomAD 0.01%). This variant has not been reported in the literature in individuals affected with PRDM8-related conditions. ClinVar contains an entry for this variant (Variation ID: 475685). Experimental studies and prediction algorithms are not available or were not evaluated, and the functional significance of this variant is currently unknown. In summary, the available evidence is currently insufficient to determine the role of this variant in disease. Therefore, it has been classified as a Variant of Uncertain Significance.

NM_001099403.2(PRDM8):c.850_861del (p.Ser284_Ser287del)

Gene: PRDM8 (PR/SET domain 8; plus strand). Cytogenetic location: 4q21.21.
Variant type: Deletion.
Coding change: c.850_861del on transcript NM_001099403.2 (MANE Select); coding-DNA positions 850 to 861, 12 bases deleted (AGCAGCGGTAGC).
Protein change: p.Ser284_Ser287del.
Molecular consequence: inframe deletion.
Genome position (GRCh38, 1-based): chr4:80,202,312-80,202,323, AGCAGCGGTAGC deleted; deleting any 12 consecutive bases within chr4:80,202,311-80,202,323 gives the same sequence; the c. name uses the placement nearest the transcript's 3' end. VCF-style (leftmost placement, unchanged base first): chr4-80202310-TCAGCAGCGGTAG-T. GRCh37 (hg19) VCF-style: chr4-81123464-TCAGCAGCGGTAG-T.
Other names: c.850_861delAGCAGCGGTAGC (NM_020226.3); c.850_861del, p.Ser284_Ser287del (NM_020226.4).
Identifiers: ClinVar variation 475685 (VCV000475685.8), dbSNP rs1455395711, ClinGen allele CA553082751.